The following is an entry in ClinVar:

NM_024675.4(PALB2):c.93dup (p.Leu32fs)

Gene: PALB2 (partner and localizer of BRCA2; minus strand). Cytogenetic location: 16p12.2.
Variant type: Duplication.
Coding change: c.93dup on transcript NM_024675.4 (MANE Select); coding-DNA position 93, one base duplicated (A; older notation c.93dupA).
Protein change: p.Leu32fs; shifts the reading frame from leucine 32.
Genome position (GRCh38, 1-based): chr16:23,638,085, T duplicated on the plus strand (A on the coding strand, the reverse complement: PALB2 is on the minus strand). VCF-style (leftmost placement, unchanged base first): chr16-23638084-G-GT. GRCh37 (hg19) VCF-style: chr16-23649405-G-GT.
Other names: c.93dupA (NM_024675.3, NM_024675.4); short protein forms L32fs.
Identifiers: ClinVar variation 220371 (VCV000220371.44), dbSNP rs864622498, ClinGen allele CA348754.

ClinVar aggregate classification (germline): Pathogenic/Likely pathogenic. Review status: criteria provided, multiple submitters, no conflicts (2 of 4 stars). 18 submissions from 18 submitters: Pathogenic (16); Likely pathogenic (1). 1 of the submissions does not count toward it. Last evaluated 2026-01-18.

Conditions:
Pancreatic cancer, susceptibility to, 3. Identifiers: Orphanet 1333, MedGen C3150547, MONDO:0013236, OMIM 613348.
Hereditary cancer-predisposing syndrome. Also called: Tumor predisposition; Neoplastic Syndromes, Hereditary; Hereditary Cancer Syndrome; Hereditary neoplastic syndrome. Identifiers: Orphanet 140162, MedGen C0027672, MeSH D009386, MONDO:0015356.
Familial cancer of breast. Also called: hereditary breast carcinoma; Hereditary breast cancer; BREAST CANCER, FAMILIAL. Identifiers: Orphanet 227535, MedGen C0346153, MONDO:0016419, OMIM 114480. Disease mechanism: loss of function.
Fanconi anemia complementation group N. Also called: PALB2-Related Fanconi Anemia. Identifiers: Orphanet 84, MedGen C1835817, MONDO:0012565, OMIM 610832. Disease mechanism: loss of function.
PALB2-related cancer predisposition. Identifiers: MedGen CN377761, MONDO:0700272.
PALB2-related disorder. Also called: PALB2-related disorders; PALB2-related condition.
Breast-ovarian cancer, familial, susceptibility to, 5 (BROVCA5). Identifiers: MedGen C5830615, MONDO:0957530, OMIM 620442.

Allele frequency attached by ClinVar (database versions not stated): gnomAD exomes below 0.00001; TOPMed below 0.00001.

Submissions 1 to 15 of 18:

Labcorp Genetics (formerly Invitae), Labcorp
Classification: Pathogenic for Familial cancer of breast. Last evaluated: 2026-01-18. Review status: criteria provided, single submitter. Criteria: Invitae Variant Classification Sherloc (09022015). Collection method: clinical testing. Allele origin: germline.
Comment: This sequence change creates a premature translational stop signal (p.Leu32Thrfs*11) in the PALB2 gene. It is expected to result in an absent or disrupted protein product. Loss-of-function variants in PALB2 are known to be pathogenic (PMID: 17200668, 17200671, 17200672, 24136930, 25099575). This variant is not present in population databases (gnomAD no frequency). This premature translational stop signal has been observed in individual(s) with breast cancer (PMID: 25452441). ClinVar contains an entry for this variant (Variation ID: 220371). For these reasons, this variant has been classified as Pathogenic.

Institute for Genomic Medicine (IGM) Clinical Laboratory, Nationwide Children's Hospital
Classification: Pathogenic for PALB2-related cancer predisposition. Last evaluated: 2025-05-28. Review status: criteria provided, single submitter. Criteria: ACMG Guidelines, 2015. Collection method: clinical testing. Allele origin: germline.
Comment: This variant is predicted to result in loss of function through nonsense-mediated decay of the encoded transcript or premature truncation of the encoded protein in a gene in which loss of function is a known mechanism of disease (ACMG/AMP: PVS1; PMIDs:25099575, 21285249). This variant has been reported at an elevated frequency in affected individuals/in multiple affected individuals in the literature (ACMG/AMP: PS4; PMIDs:25452441, 27878467, 28008555, 29785153, 30128536, 37239058). This variant is absent from or present at an exceedingly low frequency in gnomAD, a large-scale control population database (ACMG/AMP: PM2).

Center for Genomic Medicine, Rigshospitalet, Copenhagen University Hospital
Classification: Pathogenic. Last evaluated: 2025-03-04. Review status: criteria provided, single submitter. Criteria: ACMG Guidelines, 2015. Collection method: clinical testing. Allele origin: germline.

Quest Diagnostics Nichols Institute San Juan Capistrano
Classification: Pathogenic. Last evaluated: 2025-02-09. Review status: criteria provided, single submitter. Criteria: Quest Diagnostics criteria. Collection method: clinical testing. Allele origin: unknown.
Comment: The PALB2 c.93dup (p.Leu32Thrfs*11) variant alters the translational reading frame of the PALB2 mRNA and causes the premature termination of PALB2 protein synthesis. This variant has been reported in the published literature in multiple individuals with a personal and/or family history of breast cancer (PMID: 39720644 (2024), 37239058 (2023), 36980780 (2023), 35957908 (2022), 34284872 (2022), 35534704 (2022), 31159747 (2019), 29785153 (2018), 28008555 (2017), 27878467 (2016), 25452441 (2015)). This variant has not been reported in large, multi-ethnic general populations (Genome Aggregation Database). Based on the available information, this variant is classified as pathogenic.

Molecular Pathology, Peter Maccallum Cancer Centre
Classification: Pathogenic for Familial cancer of breast. Last evaluated: 2024-12-31. Review status: criteria provided, single submitter. Criteria: ACMG Guidelines, 2015. Collection method: clinical testing. Allele origin: germline. Inheritance: Autosomal dominant inheritance.

Blueprint Genetics
Classification: Pathogenic for PALB2-related disorders. Last evaluated: 2024-09-10. Review status: criteria provided, single submitter. Criteria: ACMG Guidelines, 2015. Collection method: clinical testing. Allele origin: germline. Affected: yes. Observed: 5 variant alleles.

KCCC/NGS Laboratory, Kuwait Cancer Control Center
Classification: Pathogenic for Breast-ovarian cancer, familial, susceptibility to, 5. Last evaluated: 2024-07-31. Review status: criteria provided, single submitter. Criteria: ACMG Guidelines, 2015. Collection method: clinical testing. Allele origin: germline. Inheritance: Autosomal dominant inheritance. Affected: yes. Observed: 1 heterozygote.
Comment: This sequence change creates a premature translational stop signal (p.Leu32Thrfs*11) in the PALB2 gene. It is expected to result in an absent or disrupted protein product. Loss-offunction variants in PALB2 are known to be pathogenic (PMID: 17200668, 17200671, 17200672, 24136930, 25099575). This variant is not present in population databases (gnomAD no frequency). This premature translational stop signal has been observed in individual(s) with breast cancer (PMID: 25452441). ClinVar contains an entry for this variant (Variation ID: 220371). For these reasons, this variant has been classified as Pathogenic.

Color Diagnostics, LLC DBA Color Health
Classification: Pathogenic for Hereditary cancer-predisposing syndrome. Last evaluated: 2024-01-17. Review status: criteria provided, single submitter. Criteria: ACMG Guidelines, 2015. Collection method: clinical testing. Allele origin: germline.
Comment: This variant inserts 1 nucleotide in exon 2 of the PALB2 gene, creating a frameshift and premature translation stop signal. This variant is expected to result in an absent or non-functional protein product. This variant has been reported in individuals affected with breast cancer (PMID: 25452441, 27878467, 28008555, 29785153, 37239058). This variant has not been identified in the general population by the Genome Aggregation Database (gnomAD). Loss of PALB2 function is a known mechanism of disease. Based on the available evidence, this variant is classified as Pathogenic.

GeneDx
Classification: Pathogenic. Last evaluated: 2023-12-05. Review status: criteria provided, single submitter. Criteria: GeneDx Variant Classification Process June 2021. Collection method: clinical testing. Allele origin: germline. Affected: yes.
Comment: Frameshift variant predicted to result in protein truncation or nonsense mediated decay in a gene for which loss-of-function is a known mechanism of disease; Not observed at significant frequency in large population cohorts (gnomAD); Truncating variants in this gene are considered pathogenic by a well-established clinical consortium and/or database; This variant is associated with the following publications: (PMID: 25452441, 26556299, 27878467, 29785153, 28008555, 31159747, 31937788)

Ambry Genetics
Classification: Pathogenic for Hereditary cancer-predisposing syndrome. Last evaluated: 2023-10-27. Review status: criteria provided, single submitter. Criteria: Ambry Variant Classification Scheme 2023. Collection method: clinical testing. Allele origin: germline.
Comment: The c.93dupA pathogenic mutation, located in coding exon 2 of the PALB2 gene, results from a duplication of A at nucleotide position 93, causing a translational frameshift with a predicted alternate stop codon (p.L32Tfs*11). This variant is considered to be rare based on population cohorts in the Genome Aggregation Database (gnomAD). This mutation has been detected in multiple individuals with a personal and/or family history of breast cancer (Couch FJ et al. J. Clin. Oncol., 2015 Feb;33:304-11; Pritzlaff M et al. Breast Cancer Res. Treat., 2017 02;161:575-586; Yadav S et al. Fam. Cancer, 2017 07;16:319-328; Goidescu IG et al. Clujul Med, 2018 Apr;91:157-165; Tsaousis GN et al. BMC Cancer, 2019 Jun;19:535). In addition to the clinical data presented in the literature, this alteration is expected to result in loss of function by premature protein truncation or nonsense-mediated mRNA decay. As such, this alteration is interpreted as a disease-causing mutation.

Myriad Genetics, Inc.
Classification: Pathogenic for Familial cancer of breast. Last evaluated: 2023-09-06. Review status: criteria provided, single submitter. Criteria: Myriad Autosomal Dominant, Autosomal Recessive and X-Linked Classification Criteria (2023). Collection method: clinical testing. Allele origin: unknown.
Comment: This variant is considered pathogenic. This variant creates a frameshift predicted to result in premature protein truncation.

Baylor Genetics
Classification: Pathogenic for Familial cancer of breast. Last evaluated: 2023-02-23. Review status: criteria provided, single submitter. Criteria: ACMG Guidelines, 2015. Collection method: clinical testing. Allele origin: unknown.

Fulgent Genetics
Classification: Pathogenic for Familial cancer of breast; Fanconi anemia complementation group N; Pancreatic cancer, susceptibility to, 3. Last evaluated: 2021-10-18. Review status: criteria provided, single submitter. Criteria: ACMG Guidelines, 2015. Collection method: clinical testing. Allele origin: unknown.

MGZ Medical Genetics Center
Classification: Likely pathogenic for Pancreatic cancer, susceptibility to, 3. Last evaluated: 2021-06-24. Review status: criteria provided, single submitter. Criteria: ACMG Guidelines, 2015. Collection method: clinical testing. Allele origin: germline. Affected: yes. Observed: 2 variant alleles.
Comment: ACMG criteria applied: PVS1, PM2_SUP

Department of Pathology and Laboratory Medicine, Sinai Health System
Classification: Pathogenic for PALB2-related cancer predisposition. Last evaluated: 2020-03-16. Review status: criteria provided, single submitter. Criteria: ACMG Guidelines, 2015. Collection method: clinical testing. Allele origin: germline. Affected: no.